The following is an entry in ClinVar:

ClinVar aggregate classification (germline): Uncertain significance. Review status: criteria provided, multiple submitters, no conflicts (2 of 4 stars). 2 submissions from 2 submitters: Uncertain significance (2). Last evaluated 2025-07-15.

Conditions:
ZBTB11-related disorder. Also called: ZBTB11-related condition.

gnomAD v4.1: 20 of 1,613,828 alleles (0.0012%); highest among the groups gnomAD compares: African/African-American, 0.025%; no homozygotes.

Submissions (2):

Ambry Genetics
Classification: Uncertain significance. Last evaluated: 2025-07-15. Review status: criteria provided, single submitter. Criteria: Ambry Variant Classification Scheme 2023. Collection method: clinical testing. Allele origin: germline.

PreventionGenetics, part of Exact Sciences
Classification: Uncertain significance for ZBTB11-related condition. Last evaluated: 2024-12-22. Review status: criteria provided, single submitter. Criteria: ACMG Guidelines, 2015. Collection method: clinical testing. Allele origin: germline.
Comment: The ZBTB11 c.1726A>G variant is predicted to result in the amino acid substitution p.Met576Val. To our knowledge, this variant has not been reported in the literature. This variant is reported in 0.040% of alleles in individuals of African descent in gnomAD. At this time, the clinical significance of this variant is uncertain due to the absence of conclusive functional and genetic evidence.

NM_014415.4(ZBTB11):c.1726A>G (p.Met576Val)

Gene: ZBTB11 (zinc finger and BTB domain containing 11; minus strand). Cytogenetic location: 3q12.3.
Variant type: single nucleotide variant.
Coding change: c.1726A>G on transcript NM_014415.4 (MANE Select); coding-DNA position 1726, A replaced by G.
Protein change: p.Met576Val; replaces methionine 576 with valine.
Molecular consequence: missense variant.
Genome position (GRCh38, 1-based): chr3:101,664,612, T>C on the plus strand (A>G on the coding strand, the complement: ZBTB11 is on the minus strand). VCF-style: chr3-101664612-T-C. GRCh37 (hg19) VCF-style: chr3-101383456-T-C.
Other names: short protein forms M576V.
Identifiers: ClinVar variation 4203639 (VCV004203639.2).